The following is an entry in ClinVar:

ClinVar aggregate classification (germline): Uncertain significance. Review status: criteria provided, multiple submitters, no conflicts (2 of 4 stars). 2 submissions from 2 submitters: Uncertain significance (2). Last evaluated 2025-02-26.

Conditions:
Hereditary cancer-predisposing syndrome. Also called: Neoplastic Syndromes, Hereditary; Hereditary Cancer Syndrome; Tumor predisposition; Hereditary neoplastic syndrome. Identifiers: Orphanet 140162, MedGen C0027672, MeSH D009386, MONDO:0015356.

Submissions (2):

Ambry Genetics
Classification: Uncertain significance for Hereditary cancer-predisposing syndrome. Last evaluated: 2025-02-26. Review status: criteria provided, single submitter. Criteria: Ambry Variant Classification Scheme 2023. Collection method: clinical testing. Allele origin: germline.
Comment: The p.F285L variant (also known as c.855T>G), located in coding exon 5 of the CTNNA1 gene, results from a T to G substitution at nucleotide position 855. The phenylalanine at codon 285 is replaced by leucine, an amino acid with highly similar properties. This amino acid position is highly conserved in available vertebrate species. In addition, the in silico prediction for this alteration is inconclusive. The evidence for this gene-disease relationship is limited; therefore, the clinical significance of this alteration is unclear.

Labcorp Genetics (formerly Invitae), Labcorp
Classification: Uncertain significance. Last evaluated: 2024-08-04. Review status: criteria provided, single submitter. Criteria: Invitae Variant Classification Sherloc (09022015). Collection method: clinical testing. Allele origin: germline.
Comment: This sequence change replaces phenylalanine, which is neutral and non-polar, with leucine, which is neutral and non-polar, at codon 285 of the CTNNA1 protein (p.Phe285Leu). This variant is not present in population databases (gnomAD no frequency). This variant has not been reported in the literature in individuals affected with CTNNA1-related conditions. ClinVar contains an entry for this variant (Variation ID: 946033). Advanced modeling of protein sequence and biophysical properties (such as structural, functional, and spatial information, amino acid conservation, physicochemical variation, residue mobility, and thermodynamic stability) performed at Invitae indicates that this missense variant is not expected to disrupt CTNNA1 protein function with a negative predictive value of 80%. In summary, the available evidence is currently insufficient to determine the role of this variant in disease. Therefore, it has been classified as a Variant of Uncertain Significance.

NM_001903.5(CTNNA1):c.855T>G (p.Phe285Leu)

Gene: CTNNA1 (catenin alpha 1; plus strand). Cytogenetic location: 5q31.2.
Variant type: single nucleotide variant.
Coding change: c.855T>G on transcript NM_001903.5 (MANE Select); coding-DNA position 855, T replaced by G.
Protein change: p.Phe285Leu; replaces phenylalanine 285 with leucine.
Molecular consequence: missense variant.
Genome position (GRCh38, 1-based): chr5:138,824,796, T>G. VCF-style: chr5-138824796-T-G. GRCh37 (hg19) VCF-style: chr5-138160485-T-G.
Other names: c.855T>G, p.Phe285Leu (NM_001290307.3, NM_001323982.2, NM_001323983.1 and 3 more transcripts); c.546T>G, p.Phe182Leu (NM_001290309.3); c.486T>G, p.Phe162Leu (NM_001290310.3); c.855T>G (NM_001903.2); short protein forms F162L, F182L, F285L.
Identifiers: ClinVar variation 946033 (VCV000946033.10), dbSNP rs756271500, ClinGen allele CA361130338.